The following is an entry in ClinVar:

ClinVar aggregate classification (germline): Uncertain significance. Review status: criteria provided, multiple submitters, no conflicts (2 of 4 stars). 2 submissions from 2 submitters: Uncertain significance (2). Last evaluated 2023-06-30.

Conditions:
Familial thoracic aortic aneurysm and aortic dissection (TAAD). Also called: Thoracic aortic aneurysms and dissections. Identifiers: Orphanet 91387, MedGen C4707243, MONDO:0019625.
Aortic aneurysm, familial thoracic 7 (AAT7). Also called: AORTIC DISSECTION, FAMILIAL, WITH OR WITHOUT AORTIC ANEURYSM. Identifiers: MedGen C3151077, MONDO:0013418, OMIM 613780.

gnomAD v4.1: 2 of 1,603,408 alleles (0.00012%); highest among the groups gnomAD compares: Non-Finnish European, 0.000085%; no homozygotes.

Submissions (2):

Ambry Genetics
Classification: Uncertain significance for Familial thoracic aortic aneurysm and aortic dissection. Last evaluated: 2023-06-30. Review status: criteria provided, single submitter. Criteria: Ambry Variant Classification Scheme 2023. Collection method: clinical testing. Allele origin: germline.

Labcorp Genetics (formerly Invitae), Labcorp
Classification: Uncertain significance for Aortic aneurysm, familial thoracic 7. Last evaluated: 2022-01-01. Review status: criteria provided, single submitter. Criteria: Invitae Variant Classification Sherloc (09022015). Collection method: clinical testing. Allele origin: germline.
Comment: In summary, the available evidence is currently insufficient to determine the role of this variant in disease. Therefore, it has been classified as a Variant of Uncertain Significance. Advanced modeling of protein sequence and biophysical properties (such as structural, functional, and spatial information, amino acid conservation, physicochemical variation, residue mobility, and thermodynamic stability) performed at Invitae indicates that this missense variant is not expected to disrupt MYLK protein function. This variant has not been reported in the literature in individuals affected with MYLK-related conditions. This variant is not present in population databases (gnomAD no frequency). This sequence change replaces serine, which is neutral and polar, with phenylalanine, which is neutral and non-polar, at codon 1209 of the MYLK protein (p.Ser1209Phe).

NM_053025.4(MYLK):c.3626C>T (p.Ser1209Phe)

Gene: MYLK (myosin light chain kinase; minus strand). Cytogenetic location: 3q21.1.
Variant type: single nucleotide variant.
Coding change: c.3626C>T on transcript NM_053025.4 (MANE Select); coding-DNA position 3626, C replaced by T.
Protein change: p.Ser1209Phe; replaces serine 1209 with phenylalanine.
Molecular consequence: missense variant.
Genome position (GRCh38, 1-based): chr3:123,682,250, G>A on the plus strand (C>T on the coding strand, the complement: MYLK is on the minus strand). VCF-style: chr3-123682250-G-A. GRCh37 (hg19) VCF-style: chr3-123401097-G-A.
Other names: c.3098C>T, p.Ser1033Phe (NM_001321309.2); c.3419C>T, p.Ser1140Phe (NM_053026.4, NM_053028.4); c.3626C>T, p.Ser1209Phe (NM_053027.4); c.3626C>T (NM_053025.3); short protein forms S1209F, S1033F, S1140F.
Identifiers: ClinVar variation 2178357 (VCV002178357.6), dbSNP rs1406608470, ClinGen allele CA354233508.